The following is an entry in ClinVar:

NM_007294.4(BRCA1):c.4314C>G (p.Ala1438=)

Gene: BRCA1 (BRCA1 DNA repair associated; minus strand). Cytogenetic location: 17q21.31.
Variant type: single nucleotide variant.
Coding change: c.4314C>G on transcript NM_007294.4 (MANE Select); coding-DNA position 4314, C replaced by G.
Protein change: p.Ala1438=; no amino-acid change (alanine 1438 retained).
Molecular consequence: synonymous variant.
Genome position (GRCh38, 1-based): chr17:43,082,447, G>C on the plus strand (C>G on the coding strand, the complement: BRCA1 is on the minus strand). VCF-style: chr17-43082447-G-C. GRCh37 (hg19) VCF-style: chr17-41234464-G-C.
Other names: A1438A; c.879C>G, p.Ala293= (NM_001408448.1, NM_001408450.1, NM_001408432.1 and 10 more transcripts); c.870C>G, p.Ala290= (NM_001408451.1); c.864C>G, p.Ala288= (NM_001408452.1, NM_001408453.1, NM_001408454.1 and 8 more transcripts); c.861C>G, p.Ala287= (NM_001408462.1, NM_001408463.1, NM_001408464.1 and 5 more transcripts); c.858C>G, p.Ala286= (NM_001408470.1); c.1002C>G, p.Ala334= (NM_001408472.1, NM_001408473.1, NM_001407972.1 and 18 more transcripts); c.804C>G, p.Ala268= (NM_001408474.1, NM_001408476.1); and 52 more.
Identifiers: ClinVar variation 55166 (VCV000055166.25), dbSNP rs80356856, ClinGen allele CA002764.
Genomic context (GRCh38, chr17:43,082,447, plus strand): 5'-TGGCCAACAATACACACCTTTTTCTGATGTGCTTTGTTCTGGATTTCGCAGGTCCTCAAG[G>C]GCAGAAGAGTCACTTATGATGGAAGGGTAGCTGTTAGAAGGCTGGCTCCCATGCTGTTCT-3'
Protein context (NP_009225.1, residues 1428-1448): SYPSIISDSS[Ala1438=]LEDLRNPEQS

ClinVar aggregate classification (germline): Likely benign. Review status: reviewed by expert panel (3 of 4 stars). 12 submissions from 12 submitters: Likely benign (1). 11 of the submissions do not count toward it. Last evaluated 2017-06-29.

Conditions:
Hereditary cancer-predisposing syndrome. Also called: Hereditary Cancer Syndrome; Hereditary neoplastic syndrome; Neoplastic Syndromes, Hereditary; Tumor predisposition. Identifiers: Orphanet 140162, MedGen C0027672, MeSH D009386, MONDO:0015356.
Hereditary breast ovarian cancer syndrome. Also called: BRCA1- and BRCA2-Associated Hereditary Breast and Ovarian Cancer; Hereditary breast and ovarian cancer syndrome; Hereditary breast and ovarian cancer syndrome (HBOC); Breast and ovarian cancer; Hereditary breast and/or ovarian cancer syndrome; Hereditary breast and ovarian cancer. Identifiers: Orphanet 145, MedGen C0677776, MeSH D061325, MONDO:0003582. Disease mechanism: loss of function.
Breast-ovarian cancer, familial, susceptibility to, 1 (BROVCA1). Also called: BRCA1 Hereditary Breast and Ovarian Cancer; OVARIAN CANCER, SUSCEPTIBILITY TO. Identifiers: Orphanet 145, MedGen C2676676, MONDO:0011450, OMIM 604370. Disease mechanism: loss of function.

Allele frequency attached by ClinVar (database versions not stated): gnomAD 0.00001; gnomAD exomes 0.00001.
gnomAD v4.1: 7 of 1,613,938 alleles (0.00043%); highest among the groups gnomAD compares: Non-Finnish European, 0.00059%; no homozygotes.

Submissions (12):

Evidence-based Network for the Interpretation of Germline Mutant Alleles (ENIGMA)
Classification: Likely benign for Breast-ovarian cancer, familial, susceptibility to, 1. Last evaluated: 2017-06-29. Review status: reviewed by expert panel. Criteria: ENIGMA BRCA1/2 Classification Criteria (2017-06-29). Collection method: curation. Allele origin: germline.
Comment: Synonymous substitution variant, with low bioinformatic likelihood to result in a splicing aberration (Splicing prior probability 0.02).

Women's Health and Genetics/Laboratory Corporation of America, LabCorp
Classification: Likely benign. Last evaluated: 2024-12-06. Review status: criteria provided, single submitter. Criteria: LabCorp Variant Classification Summary - May 2015. Collection method: clinical testing. Allele origin: germline. Not counted in ClinVar's aggregate classification.

Color Diagnostics, LLC DBA Color Health
Classification: Likely benign for Hereditary cancer-predisposing syndrome. Last evaluated: 2024-09-17. Review status: criteria provided, single submitter. Criteria: ACMG Guidelines, 2015. Collection method: clinical testing. Allele origin: germline. Not counted in ClinVar's aggregate classification.

Labcorp Genetics (formerly Invitae), Labcorp
Classification: Likely benign for Hereditary breast ovarian cancer syndrome. Last evaluated: 2024-03-25. Review status: criteria provided, single submitter. Criteria: Invitae Variant Classification Sherloc (09022015). Collection method: clinical testing. Allele origin: germline. Not counted in ClinVar's aggregate classification.

Ambry Genetics
Classification: Likely benign for Hereditary cancer-predisposing syndrome. Last evaluated: 2017-06-28. Review status: criteria provided, single submitter. Criteria: Ambry Variant Classification Scheme 2023. Collection method: clinical testing. Allele origin: germline. Not counted in ClinVar's aggregate classification.

GeneDx
Classification: Likely benign. Last evaluated: 2016-10-25. Review status: criteria provided, single submitter. Criteria: GeneDx Variant Classification (06012015). Collection method: clinical testing. Allele origin: germline. Affected: yes. Not counted in ClinVar's aggregate classification.
Comment: This variant is considered likely benign or benign based on one or more of the following criteria: it is a conservative change, it occurs at a poorly conserved position in the protein, it is predicted to be benign by multiple in silico algorithms, and/or has population frequency not consistent with disease.

Clinical Genetics DNA and cytogenetics Diagnostics Lab, Erasmus MC, Erasmus Medical Center
Classification: Likely benign for Breast-ovarian cancer, familial, susceptibility to, 1. Last evaluated: 2015-09-21. Review status: criteria provided, single submitter. Criteria: ACGS Guidelines, 2013. Collection method: clinical testing. Allele origin: germline. Affected: yes. Study: VKGL Data-share Consensus. Not counted in ClinVar's aggregate classification.

Genome Diagnostics Laboratory, University Medical Center Utrecht
Classification: Likely benign for Breast-ovarian cancer, familial, susceptibility to, 1. Last evaluated: 2014-10-10. Review status: criteria provided, single submitter. Criteria: ACGS Guidelines, 2013. Collection method: clinical testing. Allele origin: germline. Affected: yes. Study: VKGL Data-share Consensus. Not counted in ClinVar's aggregate classification.

Breast Cancer Information Core (BIC) (BRCA1)
Classification: Uncertain significance for Breast-ovarian cancer, familial 1. Last evaluated: 2007-01-18. Review status: no assertion criteria provided. Collection method: clinical testing. Allele origin: germline. Affected: yes. Observed: 1 variant allele. Not counted in ClinVar's aggregate classification.

Department of Pathology and Laboratory Medicine, Sinai Health System
Classification: Likely benign. Review status: no assertion criteria provided. Collection method: clinical testing. Allele origin: unknown. Affected: yes. Study: The Canadian Open Genetics Repository (COGR). Not counted in ClinVar's aggregate classification.
Comment: The BRCA1 p.Ala1438= variant was not identified in the literature nor was it identified in the UMD-LSDB databases. The variant was identified in dbSNP (ID: rs80356856) â€šÃ„ÃºWith Likely benign alleleâ€šÃ„Ã¹, ClinVar (classified likely benign, reviewed by an expert panel (2017); submitters: likely benign by ENIGMA, Genome Diagnostics Laboratory (University Medical Center Utrecht), Ambry Genetics and GeneDx, and uncertain significance by BIC), and LOVD 3.0 (1X). The variant was identified in control databases in 2 of 246176 chromosomes at a frequency of 0.000008 (Genome Aggregation Database Feb 27, 2017), observed in the following population: European Non-Finnish in 2 of 111640 chromosomes (freq: 0.00002), while not observed in the African, Other, Latino, Ashkenazi Jewish, East Asian, European Finnish, and South Asian populations. The p.Ala1438= variant is not expected to have clinical significance because it does not result in a change of amino acid and is not located in a known consensus splice site. In addition, in silico or computational prediction software programs (SpliceSiteFinder, MaxEntScan, NNSPLICE, GeneSplicer) do not predict a difference in splicing. In summary, based on the above information the clinical significance of this variant cannot be determined with certainty at this time although we would lean towards a more benign role for this variant. This variant is classified as likely benign.

Diagnostic Laboratory, Department of Genetics, University Medical Center Groningen
Classification: Likely benign. Review status: no assertion criteria provided. Collection method: clinical testing. Allele origin: germline. Affected: yes. Study: VKGL Data-share Consensus. Not counted in ClinVar's aggregate classification.

Joint Genome Diagnostic Labs from Nijmegen and Maastricht, Radboudumc and MUMC+
Classification: Likely benign. Review status: no assertion criteria provided. Collection method: clinical testing. Allele origin: germline. Affected: yes. Study: VKGL Data-share Consensus. Not counted in ClinVar's aggregate classification.

Literature cited by the submitters: PubMed 16267036 (cited by Women's Health and Genetics/Laboratory Corporation of America, LabCorp).